The following is an entry in ClinVar:

ClinVar aggregate classification (germline): Uncertain significance. Review status: criteria provided, multiple submitters, no conflicts (2 of 4 stars). 5 submissions from 5 submitters: Uncertain significance (5). Last evaluated 2025-10-07.

Conditions:
Hermansky-Pudlak syndrome 4 (HPS4). Identifiers: Orphanet 231500, Orphanet 79430, MedGen C3484357, MONDO:0013556, OMIM 614073.

Allele frequency attached by ClinVar (database versions not stated): ESP Exome Variant Server 0.00008; TOPMed 0.00010; gnomAD 0.00011 and 0.00012; gnomAD exomes 0.00014; ExAC 0.00015; 1000 Genomes Project 0.00020; 1000 Genomes Project 30x 0.00031.
gnomAD v4.1: 136 of 1,614,170 alleles (0.0084%); highest among the groups gnomAD compares: South Asian, 0.018%; no homozygotes.

Submissions (5):

Mayo Clinic Laboratories, Mayo Clinic
Classification: Uncertain significance. Last evaluated: 2025-10-07. Review status: criteria provided, single submitter. Criteria: ACMG Guidelines, 2015. Collection method: clinical testing. Allele origin: germline. Observed: 1 variant allele.
Comment: BS1_supporting, PP3

Blueprint Genetics
Classification: Uncertain significance. Last evaluated: 2024-10-18. Review status: criteria provided, single submitter. Criteria: ACMG Guidelines, 2015. Collection method: clinical testing. Allele origin: germline.

Labcorp Genetics (formerly Invitae), Labcorp
Classification: Uncertain significance. Last evaluated: 2024-01-22. Review status: criteria provided, single submitter. Criteria: Invitae Variant Classification Sherloc (09022015). Collection method: clinical testing. Allele origin: germline.
Comment: This sequence change replaces arginine, which is basic and polar, with cysteine, which is neutral and slightly polar, at codon 185 of the HPS4 protein (p.Arg185Cys). This variant is present in population databases (rs369104384, gnomAD 0.09%). This variant has not been reported in the literature in individuals affected with HPS4-related conditions. ClinVar contains an entry for this variant (Variation ID: 502102). An algorithm developed to predict the effect of missense changes on protein structure and function (PolyPhen-2) suggests that this variant is likely to be disruptive. In summary, the available evidence is currently insufficient to determine the role of this variant in disease. Therefore, it has been classified as a Variant of Uncertain Significance.

Illumina Laboratory Services, Illumina
Classification: Uncertain significance for Hermansky-Pudlak syndrome 4. Last evaluated: 2018-01-12. Review status: criteria provided, single submitter. Criteria: ICSL Variant Classification Criteria 13 December 2019. Collection method: clinical testing. Allele origin: germline.

Eurofins Ntd Llc (ga)
Classification: Uncertain significance. Last evaluated: 2017-05-26. Review status: criteria provided, single submitter. Criteria: EGL Classification Definitions 2015. Collection method: clinical testing. Allele origin: germline. Observed: 1 variant allele, 1 heterozygote.

NM_022081.6(HPS4):c.553C>T (p.Arg185Cys)

Gene: HPS4 (HPS4 biogenesis of lysosomal organelles complex 3 subunit 2; minus strand). Cytogenetic location: 22q12.1.
Variant type: single nucleotide variant.
Coding change: c.553C>T on transcript NM_022081.6 (MANE Select); coding-DNA position 553, C replaced by T.
Protein change: p.Arg185Cys; replaces arginine 185 with cysteine.
Molecular consequence: missense variant. On other transcripts: non-coding transcript variant (8).
Genome position (GRCh38, 1-based): chr22:26,470,762, G>A on the plus strand (C>T on the coding strand, the complement: HPS4 is on the minus strand). VCF-style: chr22-26470762-G-A. GRCh37 (hg19) VCF-style: chr22-26866728-G-A.
Other names: p.Arg185Cys; c.553C>T, p.Arg185Cys (NM_001349896.1, NM_001349898.2, NM_001349899.2 and 6 more transcripts); c.538C>T, p.Arg180Cys (NM_152841.2); short protein forms R180C, R185C.
Identifiers: ClinVar variation 502102 (VCV000502102.16), dbSNP rs369104384, ClinGen allele CA10163650.